The following is an entry in ClinVar:

ClinVar aggregate classification (germline): Uncertain significance (1 of 4 stars; one submission).

Conditions:
Gorlin syndrome. Also called: Basal cell nevus syndrome; Nevoid Basal Cell Carcinoma Syndrome. Identifiers: Orphanet 377, MedGen C0004779, MONDO:0007187.
Medulloblastoma (MDB). Also called: Medulloblastoma, somatic; MEDULLOBLASTOMA PREDISPOSITION SYNDROME. Identifiers: Orphanet 616, MedGen C0025149, MeSH D008527, MONDO:0007959, OMIM 155255, HP:0002885.

Submission:

Labcorp Genetics (formerly Invitae), Labcorp
Classification: Uncertain significance for Gorlin syndrome; Medulloblastoma. Last evaluated: 2022-05-13. Review status: criteria provided, single submitter. Criteria: Invitae Variant Classification Sherloc (09022015). Collection method: clinical testing. Allele origin: germline.
Comment: In summary, the available evidence is currently insufficient to determine the role of this variant in disease. Therefore, it has been classified as a Variant of Uncertain Significance. This variant has not been reported in the literature in individuals affected with SUFU-related conditions. Algorithms developed to predict the effect of missense changes on protein structure and function are either unavailable or do not agree on the potential impact of this missense change (SIFT: "Tolerated"; PolyPhen-2: "Probably Damaging"; Align-GVGD: "Class C0"). This sequence change replaces asparagine, which is neutral and polar, with threonine, which is neutral and polar, at codon 76 of the SUFU protein (p.Asn76Thr). This variant is not present in population databases (gnomAD no frequency).

NM_016169.4(SUFU):c.227A>C (p.Asn76Thr)

Gene: SUFU (SUFU negative regulator of hedgehog signaling; plus strand). Cytogenetic location: 10q24.32.
Variant type: single nucleotide variant.
Coding change: c.227A>C on transcript NM_016169.4 (MANE Select); coding-DNA position 227, A replaced by C.
Protein change: p.Asn76Thr; replaces asparagine 76 with threonine.
Molecular consequence: missense variant.
Genome position (GRCh38, 1-based): chr10:102,509,213, A>C. VCF-style: chr10-102509213-A-C. GRCh37 (hg19) VCF-style: chr10-104268970-A-C.
Other names: c.227A>C, p.Asn76Thr (NM_001178133.2); short protein forms N76T.
Identifiers: ClinVar variation 2135750 (VCV002135750.4), dbSNP rs2544845701, ClinGen allele CA377888516.